The following is an entry in ClinVar:

ClinVar aggregate classification (germline): Conflicting classifications of pathogenicity. Review status: criteria provided, conflicting classifications (1 of 4 stars). 5 submissions from 5 submitters: Likely pathogenic (2); Uncertain significance (3). Last evaluated 2026-03-24.

Conditions:
TSPEAR-related disorder. Also called: TSPEAR-related condition.
Ectodermal dysplasia. Also called: Ectodermal dysplasia syndrome. Identifiers: Orphanet 79373, MedGen C0013575, MONDO:0019287, HP:0000968.
Ectodermal dysplasia 14, hair/tooth type with or without hypohidrosis. Identifiers: Orphanet 685067, MedGen C4748560, MONDO:0032584, OMIM 618180.

Allele frequency attached by ClinVar (database versions not stated): gnomAD exomes 0.00003; ExAC 0.00002; TOPMed 0.00002; gnomAD 0.00006.
gnomAD v4.1: 63 of 1,614,114 alleles (0.0039%); highest among the groups gnomAD compares: Middle Eastern, 0.016%; no homozygotes.

Submissions (5):

Genetics Laboratory, Great Ormond Street Hospital NHS Foundation Trust, North Thames Genomic Laboratory Hub
Classification: Uncertain significance for Ectodermal dysplasia. Last evaluated: 2026-03-24. Review status: criteria provided, single submitter. Criteria: ACGS Best Practice Guidelines for Variant Classification in Rare Disease 2024 v1.2. Collection method: clinical testing. Allele origin: germline. Affected: yes.
Comment: PM2_moderate, PM1_supporting, PM3_supporting

Greenwood Genetic Center Diagnostic Laboratories, Greenwood Genetic Center
Classification: Likely pathogenic for TSPEAR-related disorder. Last evaluated: 2025-05-01. Review status: criteria provided, single submitter. Criteria: ACMG Guidelines, 2015. Collection method: clinical testing. Allele origin: germline. Affected: yes.
Comment: PM1, PM2, PM3, PM5_Supporting, PP3

Labcorp Genetics (formerly Invitae), Labcorp
Classification: Likely pathogenic. Last evaluated: 2024-12-09. Review status: criteria provided, single submitter. Criteria: Invitae Variant Classification Sherloc (09022015). Collection method: clinical testing. Allele origin: germline.
Comment: This sequence change replaces glycine, which is neutral and non-polar, with serine, which is neutral and polar, at codon 475 of the TSPEAR protein (p.Gly475Ser). This variant is present in population databases (rs782056388, gnomAD 0.005%). This missense change has been observed in individual(s) with clinical features of ectodermal dysplasia (PMID: 37009414; internal data). In at least one individual the data is consistent with being in trans (on the opposite chromosome) from a pathogenic variant. ClinVar contains an entry for this variant (Variation ID: 593867). Invitae Evidence Modeling of protein sequence and biophysical properties (such as structural, functional, and spatial information, amino acid conservation, physicochemical variation, residue mobility, and thermodynamic stability) indicates that this missense variant is expected to disrupt TSPEAR protein function with a positive predictive value of 80%. This variant disrupts the p.Gly475 amino acid residue in TSPEAR. Other variant(s) that disrupt this residue have been observed in individuals with TSPEAR-related conditions (PMID: 35741818), which suggests that this may be a clinically significant amino acid residue. In summary, the currently available evidence indicates that the variant is pathogenic, but additional data are needed to prove that conclusively. Therefore, this variant has been classified as Likely Pathogenic.

MGZ Medical Genetics Center
Classification: Uncertain significance for Ectodermal dysplasia 14, hair/tooth type with or without hypohidrosis. Last evaluated: 2021-09-21. Review status: criteria provided, single submitter. Criteria: ACMG Guidelines, 2015. Collection method: clinical testing. Allele origin: germline. Affected: yes. Observed: 1 variant allele.
Comment: ACMG criteria applied: PM2_SUP, BP4

Eurofins Ntd Llc (ga)
Classification: Uncertain significance. Last evaluated: 2017-09-20. Review status: criteria provided, single submitter. Criteria: EGL Classification Definitions 2015. Collection method: clinical testing. Allele origin: germline. Observed: 1 variant allele, 1 heterozygote.

Literature cited by the submitters: PubMed 37009414 (cited by Labcorp Genetics (formerly Invitae), Labcorp); PubMed 35741818 (cited by Labcorp Genetics (formerly Invitae), Labcorp).

NM_144991.3(TSPEAR):c.1423G>A (p.Gly475Ser)

Gene: TSPEAR (thrombospondin type laminin G domain and EAR repeats; minus strand). Cytogenetic location: 21q22.3.
Variant type: single nucleotide variant.
Coding change: c.1423G>A on transcript NM_144991.3 (MANE Select); coding-DNA position 1423, G replaced by A.
Protein change: p.Gly475Ser; replaces glycine 475 with serine.
Molecular consequence: missense variant.
Genome position (GRCh38, 1-based): chr21:44,522,026, C>T on the plus strand (G>A on the coding strand, the complement: TSPEAR is on the minus strand). VCF-style: chr21-44522026-C-T. GRCh37 (hg19) VCF-style: chr21-45941909-C-T.
Other names: c.1219G>A, p.Gly407Ser (NM_001272037.2); short protein forms G475S, G407S.
Identifiers: ClinVar variation 593867 (VCV000593867.17), dbSNP rs782056388, ClinGen allele CA10056579.